The following is an entry in ClinVar:

ClinVar aggregate classification (germline): Uncertain significance (1 of 4 stars; one submission).

Conditions:
T-B+ severe combined immunodeficiency due to JAK3 deficiency. Also called: SCID, autosomal recessive, T-negative/B-positive type; SCID, T CELL-NEGATIVE, B CELL-POSITIVE, NK CELL-NEGATIVE. Identifiers: Orphanet 35078, MedGen C1833275, MONDO:0010938, OMIM 600802.

Submission:

Labcorp Genetics (formerly Invitae), Labcorp
Classification: Uncertain significance for T-B+ severe combined immunodeficiency due to JAK3 deficiency. Last evaluated: 2022-06-09. Review status: criteria provided, single submitter. Criteria: Invitae Variant Classification Sherloc (09022015). Collection method: clinical testing. Allele origin: germline.
Comment: In summary, the available evidence is currently insufficient to determine the role of this variant in disease. Therefore, it has been classified as a Variant of Uncertain Significance. Algorithms developed to predict the effect of missense changes on protein structure and function are either unavailable or do not agree on the potential impact of this missense change (SIFT: "Deleterious"; PolyPhen-2: "Benign"; Align-GVGD: "Class C35"). This variant has not been reported in the literature in individuals affected with JAK3-related conditions. This variant is not present in population databases (gnomAD no frequency). This sequence change replaces isoleucine, which is neutral and non-polar, with serine, which is neutral and polar, at codon 726 of the JAK3 protein (p.Ile726Ser).

NM_000215.4(JAK3):c.2177T>G (p.Ile726Ser)

Gene: JAK3 (Janus kinase 3; minus strand). Cytogenetic location: 19p13.11.
Variant type: single nucleotide variant.
Coding change: c.2177T>G on transcript NM_000215.4 (MANE Select); coding-DNA position 2177, T replaced by G.
Protein change: p.Ile726Ser; replaces isoleucine 726 with serine.
Molecular consequence: missense variant.
Genome position (GRCh38, 1-based): chr19:17,834,874, A>C on the plus strand (T>G on the coding strand, the complement: JAK3 is on the minus strand). VCF-style: chr19-17834874-A-C. GRCh37 (hg19) VCF-style: chr19-17945683-A-C.
Other names: short protein forms I726S.
Identifiers: ClinVar variation 2003873 (VCV002003873.4), dbSNP rs2514554119, ClinGen allele CA404767628.